The following is an entry in ClinVar:

NM_080632.3(UPF3B):c.130A>C (p.Lys44Gln)

Gene: UPF3B (UPF3B regulator of nonsense mediated mRNA decay; minus strand). Cytogenetic location: Xq24.
Variant type: single nucleotide variant.
Coding change: c.130A>C on transcript NM_080632.3 (MANE Select); coding-DNA position 130, A replaced by C.
Protein change: p.Lys44Gln; replaces lysine 44 with glutamine.
Molecular consequence: missense variant.
Genome position (GRCh38, 1-based): chrX:119,852,799, T>G on the plus strand (A>C on the coding strand, the complement: UPF3B is on the minus strand). VCF-style: chrX-119852799-T-G. GRCh37 (hg19) VCF-style: chrX-118986762-T-G.
Other names: c.130A>C, p.Lys44Gln (NM_023010.4); short protein forms K44Q.
Identifiers: ClinVar variation 5018245 (VCV005018245.1).

ClinVar aggregate classification (germline): Uncertain significance (1 of 4 stars; one submission).

gnomAD v4.1: 2 of 1,212,388 alleles (0.00016%); highest among the groups gnomAD compares: South Asian, 0.0035%; no homozygotes.

Submission:

GeneDx
Classification: Uncertain significance. Last evaluated: 2026-04-07. Review status: criteria provided, single submitter. Criteria: GeneDx Variant Classification Process June 2021. Collection method: clinical testing. Allele origin: germline.
Comment: Not observed at significant frequency in large population cohorts (gnomAD); In silico analysis suggests that this missense variant does not alter protein structure/function; Has not been previously published as pathogenic or benign to our knowledge